The following is an entry in ClinVar:

NM_138477.4(CDAN1):c.2088G>A (p.Leu696=)

Gene: CDAN1 (codanin 1; minus strand). Cytogenetic location: 15q15.2.
Variant type: single nucleotide variant.
Coding change: c.2088G>A on transcript NM_138477.4 (MANE Select); coding-DNA position 2088, G replaced by A.
Protein change: p.Leu696=; no amino-acid change (leucine 696 retained).
Molecular consequence: synonymous variant.
Genome position (GRCh38, 1-based): chr15:42,730,684, C>T on the plus strand (G>A on the coding strand, the complement: CDAN1 is on the minus strand). VCF-style: chr15-42730684-C-T. GRCh37 (hg19) VCF-style: chr15-43022882-C-T.
Identifiers: ClinVar variation 887075 (VCV000887075.34), dbSNP rs148759214, ClinGen allele CA7515823.

ClinVar aggregate classification (germline): Conflicting classifications of pathogenicity. Review status: criteria provided, conflicting classifications (1 of 4 stars). 6 submissions from 6 submitters: Uncertain significance (2); Benign (1); Likely benign (2). 1 of the submissions does not count toward it. Last evaluated 2026-01-12.

Conditions:
CDAN1-related disorder. Also called: CDAN1-related condition.
Congenital dyserythropoietic anemia, type I. Also called: Dyserythropoietic anemia, congenital type 1. Identifiers: Orphanet 98869, MedGen C0271933, MONDO:0020337. Disease mechanism: loss of function.
Anemia, congenital dyserythropoietic, type 1a (CDAN1A). Also called: CDAN1-Related Congenital Dyserythropoietic Anemia; DYSERYTHROPOIETIC ANEMIA, CONGENITAL, TYPE Ia. Identifiers: MedGen C5574667, MONDO:0009135, OMIM 224120.

Allele frequency attached by ClinVar (database versions not stated): gnomAD exomes 0.00015 and 0.00036; TOPMed 0.00020; gnomAD 0.00023; ExAC 0.00026; ESP Exome Variant Server 0.00046.
gnomAD v4.1: 275 of 1,613,956 alleles (0.017%); highest among the groups gnomAD compares: Non-Finnish European, 0.003%; no homozygotes.

Submissions (6):

Labcorp Genetics (formerly Invitae), Labcorp
Classification: Benign. Last evaluated: 2026-01-12. Review status: criteria provided, single submitter. Criteria: Invitae Variant Classification Sherloc (09022015). Collection method: clinical testing. Allele origin: germline.

ARUP Laboratories, Molecular Genetics and Genomics, ARUP Laboratories
Classification: Likely benign for Anemia, congenital dyserythropoietic, type 1a. Last evaluated: 2024-04-15. Review status: criteria provided, single submitter. Criteria: ARUP Molecular Germline Variant Investigation Process 2024. Collection method: clinical testing. Allele origin: germline.

CeGaT Center for Human Genetics Tuebingen
Classification: Likely benign. Last evaluated: 2023-01-01. Review status: criteria provided, single submitter. Criteria: CeGaT Center For Human Genetics Tuebingen Variant Classification Criteria Version 2. Collection method: clinical testing. Allele origin: germline. Affected: yes. Observed: 1 variant allele.
Comment: CDAN1: BP4, BP7

Illumina Laboratory Services, Illumina
Classification: Uncertain significance for Anemia, congenital dyserythropoietic, type 1a. Last evaluated: 2018-01-13. Review status: criteria provided, single submitter. Criteria: ICSL Variant Classification Criteria 13 December 2019. Collection method: clinical testing. Allele origin: germline.

Breakthrough Genomics
Classification: Uncertain significance. Review status: criteria provided, single submitter. Criteria: ACMG Guidelines, 2015. Collection method: not provided. Allele origin: germline. Inheritance: Autosomal recessive inheritance. Affected: yes.

PreventionGenetics, part of Exact Sciences
Classification: Likely benign for CDAN1-related condition. Last evaluated: 2024-06-23. Review status: no assertion criteria provided. Collection method: clinical testing. Allele origin: germline. Not counted in ClinVar's aggregate classification.
Comment: This variant is classified as likely benign based on ACMG/AMP sequence variant interpretation guidelines (Richards et al. 2015 PMID: 25741868, with internal and published modifications).